The following is an entry in ClinVar:

ClinVar aggregate classification (germline): Likely pathogenic (1 of 4 stars; one submission).

Conditions:
DOCK7-related disorder. Also called: DOCK7-related condition.

Submission:

PreventionGenetics, part of Exact Sciences
Classification: Likely pathogenic for DOCK7-related condition. Last evaluated: 2023-04-07. Review status: criteria provided, single submitter. Criteria: ACMG Guidelines, 2015. Collection method: clinical testing. Allele origin: germline.
Comment: The DOCK7 c.6047delG variant is predicted to result in a frameshift and premature protein termination (p.Gly2016Aspfs*3). To our knowledge, this variant has not been reported in the literature or in a large population database, indicating this variant is rare. Frameshift variants in DOCK7 are expected to be pathogenic. This variant is interpreted as likely pathogenic.

NM_001367561.1(DOCK7):c.6080del (p.Gly2027fs)

Gene: DOCK7 (dedicator of cytokinesis 7; minus strand). Cytogenetic location: 1p31.3.
Variant type: Deletion.
Coding change: c.6080del on transcript NM_001367561.1 (MANE Select); coding-DNA position 6080, one base deleted (G; older notation c.6080delG).
Protein change: p.Gly2027fs; shifts the reading frame from glycine 2027.
Molecular consequence: frameshift variant.
Genome position (GRCh38, 1-based): chr1:62,475,233, C deleted on the plus strand (G on the coding strand, the reverse complement: DOCK7 is on the minus strand); the first of 3 consecutive C bases (chr1:62,475,233-62,475,235); deleting any one gives the same sequence. VCF-style (leftmost placement, unchanged base first): chr1-62475232-TC-T. GRCh37 (hg19) VCF-style: chr1-62940903-TC-T.
Other names: c.6047del, p.Gly2016fs (NM_001271999.2); c.5960del, p.Gly1987fs (NM_001272000.2); c.5954del, p.Gly1985fs (NM_001272001.2); c.6053del, p.Gly2018fs (NM_001330614.2); c.5987del, p.Gly1996fs (NM_033407.4); short protein forms G1985fs, G1987fs, G1996fs, G2016fs, G2018fs, G2027fs.
Identifiers: ClinVar variation 2633706 (VCV002633706.1), dbSNP rs2523721481, ClinGen allele CA2695198041.